The following is an entry in ClinVar:

NM_004984.4(KIF5A):c.2989A>T (p.Asn997Tyr)

Gene: KIF5A (kinesin family member 5A; plus strand). Cytogenetic location: 12q13.3.
Variant type: single nucleotide variant.
Coding change: c.2989A>T on transcript NM_004984.4 (MANE Select); coding-DNA position 2989, A replaced by T.
Protein change: p.Asn997Tyr; replaces asparagine 997 with tyrosine.
Molecular consequence: missense variant.
Genome position (GRCh38, 1-based): chr12:57,581,949, A>T. VCF-style: chr12-57581949-A-T. GRCh37 (hg19) VCF-style: chr12-57975732-A-T.
Other names: c.2722A>T, p.Asn908Tyr (NM_001354705.2); short protein forms N908Y, N997Y.
Identifiers: ClinVar variation 4803050 (VCV004803050.1).

ClinVar aggregate classification (germline): Uncertain significance (1 of 4 stars; one submission).

Conditions:
Spastic paraplegia. Identifiers: MedGen C0037772, HP:0001258.

Submission:

Labcorp Genetics (formerly Invitae), Labcorp
Classification: Uncertain significance for Spastic paraplegia. Last evaluated: 2025-03-29. Review status: criteria provided, single submitter. Criteria: Invitae Variant Classification Sherloc (09022015). Collection method: clinical testing. Allele origin: germline.
Comment: This sequence change replaces asparagine, which is neutral and polar, with tyrosine, which is neutral and polar, at codon 997 of the KIF5A protein (p.Asn997Tyr). This variant is not present in population databases (gnomAD no frequency). This variant has not been reported in the literature in individuals affected with KIF5A-related conditions. Invitae Evidence Modeling of protein sequence and biophysical properties (such as structural, functional, and spatial information, amino acid conservation, physicochemical variation, residue mobility, and thermodynamic stability) indicates that this missense variant is not expected to disrupt KIF5A protein function with a negative predictive value of 95%. In summary, the available evidence is currently insufficient to determine the role of this variant in disease. Therefore, it has been classified as a Variant of Uncertain Significance.